The following is an entry in ClinVar:

ClinVar aggregate classification (germline): Likely benign. Review status: criteria provided, multiple submitters, no conflicts (2 of 4 stars). 2 submissions from 2 submitters: Likely benign (2). Last evaluated 2026-03-01.

Conditions:
Autosomal recessive polycystic kidney disease (ARPKD). Also called: AR polycystic kidney disease. Identifiers: Orphanet 731, Orphanet 8378, MedGen C0085548, MeSH D017044, MONDO:0009889.

Allele frequency attached by ClinVar (database versions not stated): gnomAD exomes below 0.00001; gnomAD 0.00001; ExAC 0.00002.
gnomAD v4.1: 3 of 1,613,678 alleles (0.00019%); highest among the groups gnomAD compares: Non-Finnish European, 0.00025%; no homozygotes.

Submissions (2):

CeGaT Center for Human Genetics Tuebingen
Classification: Likely benign. Last evaluated: 2026-03-01. Review status: criteria provided, single submitter. Criteria: CeGaT Center For Human Genetics Tuebingen Variant Classification Criteria Version 2. Collection method: clinical testing. Allele origin: germline. Affected: yes. Observed: 1 variant allele.
Comment: PKHD1: BP4, BP7

Labcorp Genetics (formerly Invitae), Labcorp
Classification: Likely benign for Autosomal recessive polycystic kidney disease. Last evaluated: 2025-11-12. Review status: criteria provided, single submitter. Criteria: Invitae Variant Classification Sherloc (09022015). Collection method: clinical testing. Allele origin: germline.

NM_138694.4(PKHD1):c.11290T>C (p.Leu3764=)

Gene: PKHD1 (PKHD1 ciliary IPT domain containing fibrocystin/polyductin; minus strand). Cytogenetic location: 6p12.3.
Variant type: single nucleotide variant.
Coding change: c.11290T>C on transcript NM_138694.4 (MANE Select); coding-DNA position 11290, T replaced by C.
Protein change: p.Leu3764=; no amino-acid change (leucine 3764 retained).
Molecular consequence: synonymous variant.
Genome position (GRCh38, 1-based): chr6:51,649,105, A>G on the plus strand (T>C on the coding strand, the complement: PKHD1 is on the minus strand). VCF-style: chr6-51649105-A-G. GRCh37 (hg19) VCF-style: chr6-51513903-A-G.
Identifiers: ClinVar variation 1093272 (VCV001093272.11), dbSNP rs752554296, ClinGen allele CA3850914.
Genomic context (GRCh38, chr6:51,649,105, plus strand): 5'-CTTAGCTCTAAAGACAGATTTGTTACCTGTGAAAAGTTACCTGCTCATCCAAAAATACCA[A>G]TTGTGGCTGCACTGGAAGCTCATTTCCCACTTCTCCATCTGAAGGCTGGACTAGGATGGA-3'
Protein context (NP_619639.3, residues 3754-3774): VGNELPVQPQ[Leu3764=]VFLDEQNRRV